The following is an entry in ClinVar:

NM_015459.5(ATL3):c.1554C>T (p.Ile518=)

Genes: ATL3 (atlastin GTPase 3; minus strand), LNCROPM (lncRNA regulator of PLAAT3 mediated phospholipid metabolism; plus strand). Cytogenetic location: 11q13.1.
Variant type: single nucleotide variant.
Coding change: c.1554C>T on transcript NM_015459.5 (MANE Select); coding-DNA position 1554, C replaced by T.
Protein change: p.Ile518=; no amino-acid change (isoleucine 518 retained).
Molecular consequence: synonymous variant.
Genome position (GRCh38, 1-based): chr11:63,629,391, G>A on the plus strand (C>T on the coding strand, the complement: ATL3 is on the minus strand). VCF-style: chr11-63629391-G-A. GRCh37 (hg19) VCF-style: chr11-63396863-G-A.
Other names: c.1500C>T, p.Ile500= (NM_001290048.2).
Identifiers: ClinVar variation 761209 (VCV000761209.10), dbSNP rs538600015, ClinGen allele CA6063477.

ClinVar aggregate classification (germline): Likely benign. Review status: criteria provided, multiple submitters, no conflicts (2 of 4 stars). 2 submissions from 2 submitters: Likely benign (2). Last evaluated 2025-08-30.

Conditions:
ATL3-related disorder. Also called: ATL3-related condition.
Neuropathy, hereditary sensory, type 1F. Also called: HSN IF; Hereditary sensory neuropathy type IF. Identifiers: Orphanet 36386, MedGen C3810194, MONDO:0014286, OMIM 615632.

Allele frequency attached by ClinVar (database versions not stated): gnomAD 0.00001; TOPMed 0.00003; 1000 Genomes Project 30x 0.00016; 1000 Genomes Project 0.00020.
gnomAD v4.1: 24 of 1,613,996 alleles (0.0015%); highest among the groups gnomAD compares: East Asian, 0.0089%; no homozygotes.

Submissions (2):

Labcorp Genetics (formerly Invitae), Labcorp
Classification: Likely benign for Neuropathy, hereditary sensory, type 1F. Last evaluated: 2025-08-30. Review status: criteria provided, single submitter. Criteria: Invitae Variant Classification Sherloc (09022015). Collection method: clinical testing. Allele origin: germline.

PreventionGenetics, part of Exact Sciences
Classification: Likely benign for ATL3-related condition. Last evaluated: 2025-07-03. Review status: criteria provided, single submitter. Criteria: ACMG Guidelines, 2015. Collection method: clinical testing. Allele origin: germline.
Comment: This variant is classified as likely benign based on ACMG/AMP sequence variant interpretation guidelines (Richards et al. 2015 PMID: 25741868, with internal and published modifications).